The following is an entry in ClinVar:

ClinVar aggregate classification (germline): Benign/Likely benign. Review status: criteria provided, multiple submitters, no conflicts (2 of 4 stars). 3 submissions from 3 submitters: Benign (2); Likely benign (1). Last evaluated 2024-10-01.

Allele frequency attached by ClinVar (database versions not stated): 1000 Genomes Project 30x 0.00265; 1000 Genomes Project 0.00280; TOPMed 0.00534; gnomAD 0.00623 and 0.00639; ESP Exome Variant Server 0.00673; gnomAD exomes 0.00685 and 0.00862; ExAC 0.00686.
gnomAD v4.1: 13,373 of 1,613,812 alleles (0.83%); highest among the groups gnomAD compares: Non-Finnish European, 0.98%; 72 homozygotes.

Submissions (3):

CeGaT Center for Human Genetics Tuebingen
Classification: Likely benign. Last evaluated: 2024-10-01. Review status: criteria provided, single submitter. Criteria: CeGaT Center For Human Genetics Tuebingen Variant Classification Criteria Version 2. Collection method: clinical testing. Allele origin: germline. Affected: yes. Observed: 2 variant alleles.
Comment: IL31RA: BP4, BP7, BS2

Labcorp Genetics (formerly Invitae), Labcorp
Classification: Benign. Last evaluated: 2019-12-31. Review status: criteria provided, single submitter. Criteria: Invitae Variant Classification Sherloc (09022015). Collection method: clinical testing. Allele origin: germline.

Breakthrough Genomics
Classification: Benign. Review status: criteria provided, single submitter. Criteria: ACMG Guidelines, 2015. Collection method: not provided. Allele origin: germline. Inheritance: Autosomal dominant inheritance. Affected: yes.

NM_139017.7(IL31RA):c.54G>A (p.Pro18=)

Gene: IL31RA (interleukin 31 receptor A; plus strand). Cytogenetic location: 5q11.2.
Variant type: single nucleotide variant.
Coding change: c.54G>A on transcript NM_139017.7 (MANE Select); coding-DNA position 54, G replaced by A.
Protein change: p.Pro18=; no amino-acid change (proline 18 retained).
Molecular consequence: synonymous variant. On other transcripts: 5 prime UTR variant (1).
Genome position (GRCh38, 1-based): chr5:55,851,624, G>A. VCF-style: chr5-55851624-G-A. GRCh37 (hg19) VCF-style: chr5-55147452-G-A.
Other names: c.54G>A, p.Pro18= (NM_001242637.2, NM_001297570.3); c.-368G>A (NM_001242638.2).
Identifiers: ClinVar variation 790791 (VCV000790791.26), dbSNP rs140079651, ClinGen allele CA3270363.